The following is an entry in ClinVar:

NM_021927.3(GUF1):c.386G>C (p.Cys129Ser)

Gene: GUF1 (GTP binding elongation factor GUF1; plus strand). Cytogenetic location: 4p12.
Variant type: single nucleotide variant.
Coding change: c.386G>C on transcript NM_021927.3 (MANE Select); coding-DNA position 386, G replaced by C.
Protein change: p.Cys129Ser; replaces cysteine 129 with serine.
Molecular consequence: missense variant. On other transcripts: 5 prime UTR variant (2).
Genome position (GRCh38, 1-based): chr4:44,680,802, G>C. VCF-style: chr4-44680802-G-C. GRCh37 (hg19) VCF-style: chr4-44682819-G-C.
Other names: c.-583G>C (NM_001345867.2); c.386G>C, p.Cys129Ser (NM_001345868.2); c.-587G>C (NM_001345869.2); c.386G>C (NM_021927.2); short protein forms C129S.
Identifiers: ClinVar variation 1395474 (VCV001395474.7), dbSNP rs377025146, ClinGen allele CA2905268.

ClinVar aggregate classification (germline): Uncertain significance. Review status: criteria provided, multiple submitters, no conflicts (2 of 4 stars). 2 submissions from 2 submitters: Uncertain significance (2). Last evaluated 2025-08-23.

Submissions (2):

Ambry Genetics
Classification: Uncertain significance. Last evaluated: 2025-08-23. Review status: criteria provided, single submitter. Criteria: Ambry Variant Classification Scheme 2023. Collection method: clinical testing. Allele origin: germline.

Labcorp Genetics (formerly Invitae), Labcorp
Classification: Uncertain significance. Last evaluated: 2024-03-07. Review status: criteria provided, single submitter. Criteria: Invitae Variant Classification Sherloc (09022015). Collection method: clinical testing. Allele origin: germline.
Comment: This sequence change replaces cysteine, which is neutral and slightly polar, with serine, which is neutral and polar, at codon 129 of the GUF1 protein (p.Cys129Ser). This variant is present in population databases (rs377025146, gnomAD 0.06%), and has an allele count higher than expected for a pathogenic variant. This variant has not been reported in the literature in individuals affected with GUF1-related conditions. ClinVar contains an entry for this variant (Variation ID: 1395474). An algorithm developed to predict the effect of missense changes on protein structure and function (PolyPhen-2) suggests that this variant is likely to be tolerated. In summary, the available evidence is currently insufficient to determine the role of this variant in disease. Therefore, it has been classified as a Variant of Uncertain Significance.